The following is an entry in ClinVar:

ClinVar aggregate classification (germline): Uncertain significance (1 of 4 stars; one submission).

Conditions:
DOCK2 deficiency. Also called: Immunodeficiency 40. Identifiers: Orphanet 447737, MedGen C4225328, MONDO:0014637, OMIM 616433.

Allele frequency attached by ClinVar (database versions not stated): gnomAD exomes below 0.00001.
gnomAD v4.1: 1 of 1,613,904 alleles (0.000062%); no homozygotes.

Submission:

Labcorp Genetics (formerly Invitae), Labcorp
Classification: Uncertain significance for DOCK2 deficiency. Last evaluated: 2022-08-17. Review status: criteria provided, single submitter. Criteria: Invitae Variant Classification Sherloc (09022015). Collection method: clinical testing. Allele origin: germline.
Comment: This sequence change replaces cysteine, which is neutral and slightly polar, with arginine, which is basic and polar, at codon 453 of the DOCK2 protein (p.Cys453Arg). This variant is not present in population databases (gnomAD no frequency). This variant has not been reported in the literature in individuals affected with DOCK2-related conditions. Algorithms developed to predict the effect of missense changes on protein structure and function are either unavailable or do not agree on the potential impact of this missense change (SIFT: "Deleterious"; PolyPhen-2: "Probably Damaging"; Align-GVGD: "Class C0"). In summary, the available evidence is currently insufficient to determine the role of this variant in disease. Therefore, it has been classified as a Variant of Uncertain Significance.

NM_004946.3(DOCK2):c.1357T>C (p.Cys453Arg)

Gene: DOCK2 (dedicator of cytokinesis 2; plus strand). Cytogenetic location: 5q35.1.
Variant type: single nucleotide variant.
Coding change: c.1357T>C on transcript NM_004946.3 (MANE Select); coding-DNA position 1357, T replaced by C.
Protein change: p.Cys453Arg; replaces cysteine 453 with arginine.
Molecular consequence: missense variant. On other transcripts: non-coding transcript variant (1).
Genome position (GRCh38, 1-based): chr5:169,702,401, T>C. VCF-style: chr5-169702401-T-C. GRCh37 (hg19) VCF-style: chr5-169129405-T-C.
Other names: short protein forms C453R.
Identifiers: ClinVar variation 1720101 (VCV001720101.3), dbSNP rs2532576264, ClinGen allele CA362106162.